The following is an entry in ClinVar:

ClinVar aggregate classification (germline): Likely benign (0 of 4 stars; one submission).

Conditions:
ATP2B4-related disorder. Also called: ATP2B4-related condition.

Allele frequency attached by ClinVar (database versions not stated): gnomAD 0.00001; TOPMed 0.00001.
gnomAD v4.1: 1 of 1,613,892 alleles (0.000062%); highest among the groups gnomAD compares: African/African-American, 0.0013%; no homozygotes.

Submission:

PreventionGenetics, part of Exact Sciences
Classification: Likely benign for ATP2B4-related condition. Last evaluated: 2022-05-31. Review status: no assertion criteria provided. Collection method: clinical testing. Allele origin: germline.
Comment: This variant is classified as likely benign based on ACMG/AMP sequence variant interpretation guidelines (Richards et al. 2015 PMID: 25741868, with internal and published modifications).

NM_001684.5(ATP2B4):c.927T>C (p.Asn309=)

Gene: ATP2B4 (ATPase plasma membrane Ca2+ transporting 4; plus strand). Cytogenetic location: 1q32.1.
Variant type: single nucleotide variant.
Coding change: c.927T>C on transcript NM_001684.5 (MANE Select); coding-DNA position 927, T replaced by C.
Protein change: p.Asn309=; no amino-acid change (asparagine 309 retained).
Molecular consequence: synonymous variant.
Genome position (GRCh38, 1-based): chr1:203,702,069, T>C. VCF-style: chr1-203702069-T-C. GRCh37 (hg19) VCF-style: chr1-203671197-T-C.
Other names: c.927T>C, p.Asn309= (NM_001001396.3, NM_001365783.2, NM_001365784.2).
Identifiers: ClinVar variation 3050245 (VCV003050245.2), dbSNP rs1375900575, ClinGen allele CA422826484.